The following is an entry in ClinVar:

NM_003900.5(SQSTM1):c.463G>A (p.Glu155Lys)

Gene: SQSTM1 (sequestosome 1; plus strand). Cytogenetic location: 5q35.3.
Variant type: single nucleotide variant.
Coding change: c.463G>A on transcript NM_003900.5 (MANE Select); coding-DNA position 463, G replaced by A.
Protein change: p.Glu155Lys; replaces glutamic acid 155 with lysine.
Molecular consequence: missense variant.
Genome position (GRCh38, 1-based): chr5:179,824,019, G>A. VCF-style: chr5-179824019-G-A. GRCh37 (hg19) VCF-style: chr5-179251019-G-A.
Other names: c.211G>A, p.Glu71Lys (NM_001142298.2, NM_001142299.2); short protein forms E155K, E71K.
Identifiers: ClinVar variation 2136358 (VCV002136358.4), dbSNP rs767512628, ClinGen allele CA3600514.
Genomic context (GRCh38, chr5:179,824,019, plus strand): 5'-GTGGTAGGAACCCGCTACAAGTGCAGCGTCTGCCCAGACTACGACTTGTGTAGCGTCTGC[G>A]AGGGAAAGGGCTTGCACCGGGGGCACACCAAGCTCGCATTCCCCAGCCCCTTCGGGCACC-3'
Protein context (NP_003891.1, residues 145-165): CPDYDLCSVC[Glu155Lys]GKGLHRGHTK

ClinVar aggregate classification (germline): Uncertain significance (1 of 4 stars; one submission).

Conditions:
Paget disease of bone 2, early-onset (PDB2). Also called: Paget disease of bone 2. Identifiers: MedGen C4085251, MONDO:0011183, OMIM 602080.
Frontotemporal dementia and/or amyotrophic lateral sclerosis 1 (FTDALS1). Also called: C9orf72 Frontotemporal Dementia and/or Amyotrophic Lateral Sclerosis; Frontotemporal dementia with motor neuron disease 1. Identifiers: Orphanet 275872, MedGen C5779877, MONDO:0007105, OMIM 105550.

Allele frequency attached by ClinVar (database versions not stated): gnomAD 0.00001; gnomAD exomes 0.00001; ExAC 0.00002; TOPMed 0.00002.
gnomAD v4.1: 22 of 1,613,890 alleles (0.0014%); highest among the groups gnomAD compares: Non-Finnish European, 0.0019%; no homozygotes.

Submission:

Labcorp Genetics (formerly Invitae), Labcorp
Classification: Uncertain significance for Paget disease of bone 2, early-onset; Frontotemporal dementia and/or amyotrophic lateral sclerosis 1. Last evaluated: 2025-08-14. Review status: criteria provided, single submitter. Criteria: Invitae Variant Classification Sherloc (09022015). Collection method: clinical testing. Allele origin: germline.
Comment: This sequence change replaces glutamic acid, which is acidic and polar, with lysine, which is basic and polar, at codon 155 of the SQSTM1 protein (p.Glu155Lys). This variant is present in population databases (rs767512628, gnomAD 0.002%). This missense change has been observed in individual(s) with familial amyotrophic lateral sclerosis (PMID: 23942205). ClinVar contains an entry for this variant (Variation ID: 2136358). Invitae Evidence Modeling of protein sequence and biophysical properties (such as structural, functional, and spatial information, amino acid conservation, physicochemical variation, residue mobility, and thermodynamic stability) indicates that this missense variant is not expected to disrupt SQSTM1 protein function with a negative predictive value of 80%. In summary, the available evidence is currently insufficient to determine the role of this variant in disease. Therefore, it has been classified as a Variant of Uncertain Significance.

Literature cited by the submitters: PubMed 23942205.